The following is an entry in ClinVar:

ClinVar aggregate classification (germline): Pathogenic (1 of 4 stars; one submission).

Allele frequency attached by ClinVar (database versions not stated): gnomAD exomes below 0.00001.
gnomAD v4.1: 2 of 1,614,048 alleles (0.00012%); highest among the groups gnomAD compares: Admixed American, 0.0017%; no homozygotes.

Submission:

Labcorp Genetics (formerly Invitae), Labcorp
Classification: Pathogenic. Last evaluated: 2022-12-30. Review status: criteria provided, single submitter. Criteria: Invitae Variant Classification Sherloc (09022015). Collection method: clinical testing. Allele origin: germline.
Comment: For these reasons, this variant has been classified as Pathogenic. This variant has not been reported in the literature in individuals affected with ERCC6L2-related conditions. This variant is not present in population databases (gnomAD no frequency). This sequence change creates a premature translational stop signal (p.Tyr67*) in the ERCC6L2 gene. It is expected to result in an absent or disrupted protein product. Loss-of-function variants in ERCC6L2 are known to be pathogenic (PMID: 24507776, 27185855, 29146883, 29987015).

Literature cited by the submitters: PubMed 24507776; PubMed 27185855; PubMed 29146883; PubMed 29987015.

NM_020207.7(ERCC6L2):c.168T>G (p.Tyr56Ter)

Gene: ERCC6L2 (ERCC excision repair 6 like 2; plus strand). Cytogenetic location: 9q22.32.
Variant type: single nucleotide variant.
Coding change: c.168T>G on transcript NM_020207.7 (MANE Select); coding-DNA position 168, T replaced by G.
Protein change: p.Tyr56Ter; replaces tyrosine 56 with a stop codon.
Molecular consequence: nonsense. On other transcripts: non-coding transcript variant (1).
Genome position (GRCh38, 1-based): chr9:95,880,990, T>G. VCF-style: chr9-95880990-T-G. GRCh37 (hg19) VCF-style: chr9-98643272-T-G.
Other names: c.168T>G, p.Tyr56Ter (NM_001010895.4, NM_001375291.1, NM_001375292.1 and 2 more transcripts); short protein forms Y56*.
Identifiers: ClinVar variation 2969089 (VCV002969089.3), dbSNP rs2490183656, ClinGen allele CA374116972.